The following is an entry in ClinVar:

ClinVar aggregate classification (germline): Likely pathogenic (1 of 4 stars; one submission).

Conditions:
Hepatic veno-occlusive disease-immunodeficiency syndrome. Also called: Hepatic Veno-Occlusive Disease with Immunodeficiency. Identifiers: Orphanet 79124, MedGen C1856128, MONDO:0009338, OMIM 235550. Disease mechanism: loss of function.

gnomAD v4.1: 1 of 1,565,994 alleles (0.000064%); highest among the groups gnomAD compares: Non-Finnish European, 0.000088%; no homozygotes.

Submission:

Laboratory for Molecular Medicine, Mass General Brigham Personalized Medicine
Classification: Likely pathogenic for Hepatic veno-occlusive disease with immunodeficiency. Last evaluated: 2014-01-27. Review status: criteria provided, single submitter. Criteria: LMM Criteria. Collection method: clinical testing. Allele origin: germline. Inheritance: Autosomal recessive inheritance. Observed: 1 variant allele. Study: CSER-MedSeq.
Comment: The c.877A>T_p.Lys293X variant in SP110 has not been reported in individuals with veno-occlusive disease with immunodeficiency or in large population studies. This nonsense variant leads to a premature termination codon at position 293, which is predicted to lead to a truncated or absent protein. Several other truncating variants have been reported and they are associated with autosomal recessive hepatic veno-occlusive disease with immunodeficiency (Roscioli 2006; Cliffe 2012). In summary, this variant is likely pathogenic, though additional studies are required to fully establish its clinical significance.

Literature cited by the submitters: PubMed 16648851; PubMed 22621957.

NM_080424.4(SP110):c.877A>T (p.Lys293Ter)

Genes: SP110 (SP110 nuclear body protein; minus strand), SP140 (SP140 nuclear body protein; plus strand). Cytogenetic location: 2q37.1.
Variant type: single nucleotide variant.
Coding change: c.877A>T on transcript NM_080424.4 (MANE Select); coding-DNA position 877, A replaced by T.
Protein change: p.Lys293Ter; replaces lysine 293 with a stop codon.
Molecular consequence: nonsense.
Genome position (GRCh38, 1-based): chr2:230,208,012, T>A on the plus strand (A>T on the coding strand, the complement: SP110 is on the minus strand). VCF-style: chr2-230208012-T-A. GRCh37 (hg19) VCF-style: chr2-231072727-T-A.
Other names: c.895A>T, p.Lys299Ter (NM_001185015.2, NM_001378442.1, NM_001378444.1 and 2 more transcripts); c.877A>T, p.Lys293Ter (NM_001378443.1, NM_001378447.1, NM_004509.5 and 1 more transcripts); short protein forms K293*, K299*.
Identifiers: ClinVar variation 189244 (VCV000189244.4), dbSNP rs199845488, ClinGen allele CA274496.
Genomic context (GRCh38, chr2:230,208,012, plus strand): 5'-GTTTCCAGCCTCCAGCTTCCTCTTGTACTCTCATCTTACCTCCTGGGAGGCTTTTTTTCT[T>A]ATGTCTCCTTTTTGGAGTTGACCAGATACATCTTTTTCTTTTCTTTCCTAAAAAGAAAGG-3'